The following is an entry in ClinVar:

NM_004360.5(CDH1):c.1102A>G (p.Thr368Ala)

Gene: CDH1 (cadherin 1; plus strand). Cytogenetic location: 16q22.1.
Variant type: single nucleotide variant.
Coding change: c.1102A>G on transcript NM_004360.5 (MANE Select); coding-DNA position 1102, A replaced by G.
Protein change: p.Thr368Ala; replaces threonine 368 with alanine.
Molecular consequence: missense variant. On other transcripts: 5 prime UTR variant (2).
Genome position (GRCh38, 1-based): chr16:68,812,228, A>G. VCF-style: chr16-68812228-A-G. GRCh37 (hg19) VCF-style: chr16-68846131-A-G.
Other names: c.1102A>G (LRG_301t1); c.1102A>G, p.Thr368Ala (NM_001317184.2); c.-514A>G (NM_001317185.2); c.-718A>G (NM_001317186.2); short protein forms T368A.
Identifiers: ClinVar variation 479495 (VCV000479495.20), dbSNP rs1555515749, ClinGen allele CA396460137.

ClinVar aggregate classification (germline): Conflicting classifications of pathogenicity. Review status: criteria provided, conflicting classifications (1 of 4 stars). 3 submissions from 3 submitters: Uncertain significance (2); Likely benign (1). Last evaluated 2026-05-05.

Conditions:
Hereditary cancer-predisposing syndrome. Also called: Tumor predisposition; Hereditary neoplastic syndrome; Neoplastic Syndromes, Hereditary; Hereditary Cancer Syndrome. Identifiers: Orphanet 140162, MedGen C0027672, MeSH D009386, MONDO:0015356.
Hereditary diffuse gastric adenocarcinoma (HDGC). Also called: DIFFUSE GASTRIC AND LOBULAR BREAST CANCER SYNDROME. Identifiers: Orphanet 26106, MedGen C1708349, MONDO:0007648, OMIM 137215.

Allele frequency attached by ClinVar (database versions not stated): gnomAD exomes below 0.00001.
gnomAD v4.1: 2 of 1,614,170 alleles (0.00012%); highest among the groups gnomAD compares: Non-Finnish European, 0.00017%; no homozygotes.

Submissions (3):

Ambry Genetics
Classification: Likely benign for Hereditary cancer-predisposing syndrome. Last evaluated: 2026-05-05. Review status: criteria provided, single submitter. Criteria: Ambry Variant Classification Scheme 2023. Collection method: clinical testing. Allele origin: germline.

Labcorp Genetics (formerly Invitae), Labcorp
Classification: Uncertain significance for Hereditary diffuse gastric adenocarcinoma. Last evaluated: 2025-10-01. Review status: criteria provided, single submitter. Criteria: Invitae Variant Classification Sherloc (09022015). Collection method: clinical testing. Allele origin: germline.
Comment: This sequence change replaces threonine, which is neutral and polar, with alanine, which is neutral and non-polar, at codon 368 of the CDH1 protein (p.Thr368Ala). This variant is not present in population databases (gnomAD no frequency). This variant has not been reported in the literature in individuals affected with CDH1-related conditions. ClinVar contains an entry for this variant (Variation ID: 479495). An algorithm developed to predict the effect of missense changes on protein structure and function outputs the following: PolyPhen-2: "Benign". The alanine amino acid residue is found in multiple mammalian species, which suggests that this missense change does not adversely affect protein function. In summary, the available evidence is currently insufficient to determine the role of this variant in disease. Therefore, it has been classified as a Variant of Uncertain Significance.

Color Diagnostics, LLC DBA Color Health
Classification: Uncertain significance for Hereditary cancer-predisposing syndrome. Last evaluated: 2023-12-04. Review status: criteria provided, single submitter. Criteria: ACMG Guidelines, 2015. Collection method: clinical testing. Allele origin: germline.
Comment: This missense variant replaces threonine with alanine at codon 368 of the CDH1 protein. To our knowledge, functional studies have not been reported for this variant. This variant has not been reported in individuals affected with hereditary cancer in the literature. This variant has not been identified in the general population by the Genome Aggregation Database (gnomAD). The available evidence is insufficient to determine the role of this variant in disease conclusively. Therefore, this variant is classified as a Variant of Uncertain Significance.